The following is an entry in ClinVar:

NM_015160.3(PMPCA):c.176T>C (p.Val59Ala)

Gene: PMPCA (peptidase, mitochondrial processing subunit alpha; plus strand). Cytogenetic location: 9q34.3.
Variant type: single nucleotide variant.
Coding change: c.176T>C on transcript NM_015160.3 (MANE Select); coding-DNA position 176, T replaced by C.
Protein change: p.Val59Ala; replaces valine 59 with alanine.
Molecular consequence: missense variant. On other transcripts: 5 prime UTR variant (2).
Genome position (GRCh38, 1-based): chr9:136,412,101, T>C. VCF-style: chr9-136412101-T-C. GRCh37 (hg19) VCF-style: chr9-139306553-T-C.
Other names: c.-123T>C (NM_001282944.2, NM_001282946.2); short protein forms V59A.
Identifiers: ClinVar variation 1977551 (VCV001977551.5), dbSNP rs1835142560, ClinGen allele CA375551509.

ClinVar aggregate classification (germline): Uncertain significance (1 of 4 stars; one submission).

gnomAD v4.1: 4 of 1,613,702 alleles (0.00025%); highest among the groups gnomAD compares: Non-Finnish European, 0.00034%; no homozygotes.

Submission:

Labcorp Genetics (formerly Invitae), Labcorp
Classification: Uncertain significance. Last evaluated: 2025-03-17. Review status: criteria provided, single submitter. Criteria: Invitae Variant Classification Sherloc (09022015). Collection method: clinical testing. Allele origin: germline.
Comment: This sequence change replaces valine, which is neutral and non-polar, with alanine, which is neutral and non-polar, at codon 59 of the PMPCA protein (p.Val59Ala). This variant is not present in population databases (gnomAD no frequency). This variant has not been reported in the literature in individuals affected with PMPCA-related conditions. ClinVar contains an entry for this variant (Variation ID: 1977551). An algorithm developed to predict the effect of missense changes on protein structure and function outputs the following: PolyPhen-2: "Benign". The alanine amino acid residue is found in multiple mammalian species, which suggests that this missense change does not adversely affect protein function. In summary, the available evidence is currently insufficient to determine the role of this variant in disease. Therefore, it has been classified as a Variant of Uncertain Significance.